The following is an entry in ClinVar:

NM_025137.4(SPG11):c.34T>C (p.Ser12Pro)

Gene: SPG11 (SPG11 vesicle trafficking associated, spatacsin; minus strand). Cytogenetic location: 15q21.1.
Variant type: single nucleotide variant.
Coding change: c.34T>C on transcript NM_025137.4 (MANE Select); coding-DNA position 34, T replaced by C.
Protein change: p.Ser12Pro; replaces serine 12 with proline.
Molecular consequence: missense variant.
Genome position (GRCh38, 1-based): chr15:44,663,614, A>G on the plus strand (T>C on the coding strand, the complement: SPG11 is on the minus strand). VCF-style: chr15-44663614-A-G. GRCh37 (hg19) VCF-style: chr15-44955812-A-G.
Other names: c.34T>C, p.Ser12Pro (NM_001160227.2); short protein forms S12P.
Identifiers: ClinVar variation 970241 (VCV000970241.9), dbSNP rs753871631, ClinGen allele CA7535972.

ClinVar aggregate classification (germline): Uncertain significance (1 of 4 stars; one submission).

Conditions:
Hereditary spastic paraplegia 11. Also called: Nakamura Osame syndrome; Autosomal recessive hereditary spastic paraplegia, mental impairment, and thin corpus callosum; Spastic Paraplegia 11; Spastic paraplegia, mental retardation and thin corpus callosum; SPASTIC PARAPLEGIA, AUTOSOMAL RECESSIVE, COMPLICATED, WITH THIN CORPUS CALLOSUM; SPASTIC PARAPLEGIA, AUTOSOMAL RECESSIVE, WITH MENTAL IMPAIRMENT AND THIN CORPUS CALLOSUM. Identifiers: Orphanet 2822, MedGen C1858479, MONDO:0011445, OMIM 604360.

Allele frequency attached by ClinVar (database versions not stated): gnomAD exomes below 0.00001; ExAC 0.00002.
gnomAD v4.1: 6 of 1,596,708 alleles (0.00038%); highest among the groups gnomAD compares: Non-Finnish European, 0.00051%; no homozygotes.

Submission:

Labcorp Genetics (formerly Invitae), Labcorp
Classification: Uncertain significance for Hereditary spastic paraplegia 11. Last evaluated: 2019-11-11. Review status: criteria provided, single submitter. Criteria: Invitae Variant Classification Sherloc (09022015). Collection method: clinical testing. Allele origin: germline.
Comment: In summary, the available evidence is currently insufficient to determine the role of this variant in disease. Therefore, it has been classified as a Variant of Uncertain Significance. This sequence change replaces serine with proline at codon 12 of the SPG11 protein (p.Ser12Pro). The serine residue is weakly conserved and there is a moderate physicochemical difference between serine and proline. This variant is present in population databases (rs753871631, ExAC 0.003%). This variant has not been reported in the literature in individuals with SPG11-related conditions.